The following is an entry in ClinVar:

NM_004714.3(DYRK1B):c.1323G>A (p.Thr441=)

Gene: DYRK1B (dual specificity tyrosine phosphorylation regulated kinase 1B; minus strand). Cytogenetic location: 19q13.2.
Variant type: single nucleotide variant.
Coding change: c.1323G>A on transcript NM_004714.3 (MANE Select); coding-DNA position 1323, G replaced by A.
Protein change: p.Thr441=; no amino-acid change (threonine 441 retained).
Molecular consequence: synonymous variant.
Genome position (GRCh38, 1-based): chr19:39,826,760, C>T on the plus strand (G>A on the coding strand, the complement: DYRK1B is on the minus strand). VCF-style: chr19-39826760-C-T. GRCh37 (hg19) VCF-style: chr19-40317400-C-T.
Other names: c.1203G>A, p.Thr401= (NM_006483.3); c.1239G>A, p.Thr413= (NM_006484.3).
Identifiers: ClinVar variation 3353645 (VCV003353645.1).

ClinVar aggregate classification (germline): Likely benign (0 of 4 stars; one submission).

Conditions:
DYRK1B-related disorder. Also called: DYRK1B-related condition.

gnomAD v4.1: 51 of 1,586,170 alleles (0.0032%); highest among the groups gnomAD compares: East Asian, 0.0069%; 2 homozygotes.

Submission:

PreventionGenetics, part of Exact Sciences
Classification: Likely benign for DYRK1B-related condition. Last evaluated: 2024-07-01. Review status: no assertion criteria provided. Collection method: clinical testing. Allele origin: germline.
Comment: This variant is classified as likely benign based on ACMG/AMP sequence variant interpretation guidelines (Richards et al. 2015 PMID: 25741868, with internal and published modifications).